The following is an entry in ClinVar:

ClinVar aggregate classification (germline): Pathogenic (1 of 4 stars; one submission).

Conditions:
Familial cancer of breast. Also called: Hereditary breast cancer; BREAST CANCER, FAMILIAL; hereditary breast carcinoma. Identifiers: Orphanet 227535, MedGen C0346153, MONDO:0016419, OMIM 114480. Disease mechanism: loss of function.

Submission:

Labcorp Genetics (formerly Invitae), Labcorp
Classification: Pathogenic for Familial cancer of breast. Last evaluated: 2023-11-27. Review status: criteria provided, single submitter. Criteria: Invitae Variant Classification Sherloc (09022015). Collection method: clinical testing. Allele origin: germline.
Comment: This sequence change creates a premature translational stop signal (p.Arg406Leufs*2) in the CHEK2 gene. It is expected to result in an absent or disrupted protein product. Loss-of-function variants in CHEK2 are known to be pathogenic (PMID: 21876083, 24713400). This variant is not present in population databases (gnomAD no frequency). This variant has not been reported in the literature in individuals affected with CHEK2-related conditions. ClinVar contains an entry for this variant (Variation ID: 2133947). For these reasons, this variant has been classified as Pathogenic.

Literature cited by the submitters: PubMed 21876083; PubMed 24713400.

NM_007194.4(CHEK2):c.1210_1216dup (p.Arg406delinsLeuTer)

Gene: CHEK2 (checkpoint kinase 2; minus strand). Cytogenetic location: 22q12.1.
Variant type: Duplication.
Coding change: c.1210_1216dup on transcript NM_007194.4 (MANE Select); coding-DNA positions 1210 to 1216, 7 bases duplicated (TATAACC; older notation c.1210_1216dupTATAACC).
Protein change: p.Arg406delinsLeuTer.
Molecular consequence: nonsense. On other transcripts: frameshift variant (4).
Genome position (GRCh38, 1-based): chr22:28,695,753-28,695,759, GGTTATA duplicated on the plus strand (TATAACC on the coding strand, the reverse complement: CHEK2 is on the minus strand). VCF-style (leftmost placement, unchanged base first): chr22-28695752-C-CGGTTATA. GRCh37 (hg19) VCF-style: chr22-29091740-C-CGGTTATA.
Other names: c.1339_1345dup, p.Arg449Leufs (NM_001005735.3); c.547_553dup, p.Arg185Leufs (NM_001257387.3); c.1009_1015dup, p.Arg339Leufs (NM_001349956.3); c.1123_1129dup, p.Arg377Leufs (NM_145862.3).
Identifiers: ClinVar variation 2133947 (VCV002133947.4), dbSNP rs2517805212, ClinGen allele CA2580099490.